The following is an entry in ClinVar:

ClinVar aggregate classification (germline): Uncertain significance (1 of 4 stars; one submission).

Conditions:
Hereditary sensory and autonomic neuropathy type 7. Also called: Neuropathy, hereditary sensory and autonomic, type VII; HSAN VII. Identifiers: Orphanet 391397, MedGen C3809882, MONDO:0014244, OMIM 615548.
Familial episodic pain syndrome with predominantly lower limb involvement. Also called: Episodic pain syndrome, familial, 3. Identifiers: Orphanet 391384, Orphanet 391392, MedGen C3809899, MONDO:0014247, OMIM 615552.

Submission:

Labcorp Genetics (formerly Invitae), Labcorp
Classification: Uncertain significance for Familial episodic pain syndrome with predominantly lower limb involvement; Hereditary sensory and autonomic neuropathy type 7. Last evaluated: 2020-10-06. Review status: criteria provided, single submitter. Criteria: Invitae Variant Classification Sherloc (09022015). Collection method: clinical testing. Allele origin: germline.
Comment: This sequence change replaces arginine with methionine at codon 1692 of the SCN11A protein (p.Arg1692Met). The arginine residue is highly conserved and there is a moderate physicochemical difference between arginine and methionine. This variant is not present in population databases (ExAC no frequency). This variant has not been reported in the literature in individuals with SCN11A-related conditions. Algorithms developed to predict the effect of missense changes on protein structure and function (SIFT, PolyPhen-2, Align-GVGD) all suggest that this variant is likely to be disruptive, but these predictions have not been confirmed by published functional studies and their clinical significance is uncertain. In summary, the available evidence is currently insufficient to determine the role of this variant in disease. Therefore, it has been classified as a Variant of Uncertain Significance.

NM_001349253.2(SCN11A):c.5075G>T (p.Arg1692Met)

Gene: SCN11A (sodium voltage-gated channel alpha subunit 11; minus strand). Cytogenetic location: 3p22.2.
Variant type: single nucleotide variant.
Coding change: c.5075G>T on transcript NM_001349253.2 (MANE Select); coding-DNA position 5075, G replaced by T.
Protein change: p.Arg1692Met; replaces arginine 1692 with methionine.
Molecular consequence: missense variant.
Genome position (GRCh38, 1-based): chr3:38,846,995, C>A on the plus strand (G>T on the coding strand, the complement: SCN11A is on the minus strand). VCF-style: chr3-38846995-C-A. GRCh37 (hg19) VCF-style: chr3-38888486-C-A.
Other names: c.5075G>T, p.Arg1692Met (NM_014139.3); short protein forms R1692M.
Identifiers: ClinVar variation 1023035 (VCV001023035.1), dbSNP rs2064678409, ClinGen allele CA352161372.
Genomic context (GRCh38, chr3:38,846,995, plus strand): 5'-ATGAACTTCTCTTCCATCATTGCTTTCATACTATCTAGGCCATCAGAGCCACCGAGTACC[C>A]TAGCGGTGAAGGCGAAAAGAATATCCATGCAGTGGAGGCGATCTTCACTCACCATGGGCA-3'
Protein context (NP_001336182.1, residues 1682-1702): CMDILFAFTA[Arg1692Met]VLGGSDGLDS